The following is an entry in ClinVar:

NM_183050.4(BCKDHB):c.862G>C (p.Ala288Pro)

Gene: BCKDHB (branched chain keto acid dehydrogenase E1 subunit beta; plus strand). Cytogenetic location: 6q14.1.
Variant type: single nucleotide variant.
Coding change: c.862G>C on transcript NM_183050.4 (MANE Select); coding-DNA position 862, G replaced by C.
Protein change: p.Ala288Pro; replaces alanine 288 with proline.
Molecular consequence: missense variant. On other transcripts: non-coding transcript variant (1).
Genome position (GRCh38, 1-based): chr6:80,203,123, G>C. VCF-style: chr6-80203123-G-C. GRCh37 (hg19) VCF-style: chr6-80912840-G-C.
Other names: c.862G>C, p.Ala288Pro (NM_000056.5); c.652G>C, p.Ala218Pro (NM_001318975.1); short protein forms A218P, A288P.
Identifiers: ClinVar variation 940138 (VCV000940138.9), dbSNP rs1210713694, ClinGen allele CA364660139.

ClinVar aggregate classification (germline): Uncertain significance (1 of 4 stars; one submission).

Conditions:
Maple syrup urine disease (MSUD). Identifiers: Orphanet 511, MedGen C0024776, MeSH D008375, MONDO:0009563. Disease mechanism: loss of function.

Allele frequency attached by ClinVar (database versions not stated): gnomAD exomes below 0.00001; TOPMed below 0.00001.
gnomAD v4.1: 1 of 1,612,488 alleles (0.000062%); highest among the groups gnomAD compares: African/African-American, 0.0013%; no homozygotes.

Submission:

Labcorp Genetics (formerly Invitae), Labcorp
Classification: Uncertain significance for Maple syrup urine disease. Last evaluated: 2019-05-29. Review status: criteria provided, single submitter. Criteria: Invitae Variant Classification Sherloc (09022015). Collection method: clinical testing. Allele origin: germline.
Comment: In summary, the available evidence is currently insufficient to determine the role of this variant in disease. Therefore, it has been classified as a Variant of Uncertain Significance. Algorithms developed to predict the effect of missense changes on protein structure and function (SIFT, PolyPhen-2, Align-GVGD) all suggest that this variant is likely to be disruptive, but these predictions have not been confirmed by published functional studies and their clinical significance is uncertain. This variant has not been reported in the literature in individuals with BCKDHB-related conditions. This variant is not present in population databases (ExAC no frequency). This sequence change replaces alanine with proline at codon 288 of the BCKDHB protein (p.Ala288Pro). The alanine residue is highly conserved and there is a small physicochemical difference between alanine and proline.